The following is an entry in ClinVar:

ClinVar aggregate classification (germline): Uncertain significance (1 of 4 stars; one submission).

gnomAD v4.1: 1 of 1,612,520 alleles (0.000062%); highest among the groups gnomAD compares: Non-Finnish European, 0.000085%; no homozygotes.

Submission:

GeneDx
Classification: Uncertain significance. Last evaluated: 2026-04-25. Review status: criteria provided, single submitter. Criteria: GeneDx Variant Classification Process June 2021. Collection method: clinical testing. Allele origin: germline.
Comment: Not observed at significant frequency in large population cohorts (gnomAD); In silico analysis suggests that this missense variant does not alter protein structure/function; Has not been previously published as pathogenic or benign to our knowledge

NM_000503.6(EYA1):c.1621A>C (p.Ile541Leu)

Gene: EYA1 (EYA transcriptional coactivator and phosphatase 1; minus strand). Cytogenetic location: 8q13.3.
Variant type: single nucleotide variant.
Coding change: c.1621A>C on transcript NM_000503.6 (MANE Select); coding-DNA position 1621, A replaced by C.
Protein change: p.Ile541Leu; replaces isoleucine 541 with leucine.
Molecular consequence: missense variant.
Genome position (GRCh38, 1-based): chr8:71,211,233, T>G on the plus strand (A>C on the coding strand, the complement: EYA1 is on the minus strand). VCF-style: chr8-71211233-T-G. GRCh37 (hg19) VCF-style: chr8-72123468-T-G.
Other names: c.1603A>C, p.Ile535Leu (NM_001288574.2, NM_172059.5); c.1255A>C, p.Ile419Leu (NM_001288575.2); c.1708A>C, p.Ile570Leu (NM_001370333.1); c.1621A>C, p.Ile541Leu (NM_001370334.1, NM_001370335.1, NM_172058.4); c.1600A>C, p.Ile534Leu (NM_001370336.1); c.1522A>C, p.Ile508Leu (NM_001411797.1, NM_172060.4); short protein forms I419L, I508L, I534L, I535L, I541L, I570L.
Identifiers: ClinVar variation 5037655 (VCV005037655.1).
Genomic context (GRCh38, chr8:71,211,233, plus strand): 5'-CTTCTTCTACACCATCTCCTATAACAACATACACCACTTTTCTTCCAAACCTTTGAATTA[T>G]TCTCTCAAAACAGCTTTCTTTTCCTAGTGAACAAAAATAAATGATAGAAAATGTGAAGTT-3'
Protein context (NP_000494.2, residues 531-551): KIGKESCFER[Ile541Leu]IQRFGRKVVY